The following is an entry in ClinVar:

NM_172369.5(C1QC):c.515C>T (p.Ala172Val)

Gene: C1QC (complement C1q C chain; plus strand). Cytogenetic location: 1p36.12.
Variant type: single nucleotide variant.
Coding change: c.515C>T on transcript NM_172369.5 (MANE Select); coding-DNA position 515, C replaced by T.
Protein change: p.Ala172Val; replaces alanine 172 with valine.
Molecular consequence: missense variant.
Genome position (GRCh38, 1-based): chr1:22,647,560, C>T. VCF-style: chr1-22647560-C-T. GRCh37 (hg19) VCF-style: chr1-22974053-C-T.
Other names: c.515C>T, p.Ala172Val (NM_001114101.3, NM_001347619.2); c.248C>T, p.Ala83Val (NM_001347620.2); short protein forms A172V, A83V.
Identifiers: ClinVar variation 1348690 (VCV001348690.5), dbSNP rs560156356, ClinGen allele CA677998.

ClinVar aggregate classification (germline): Uncertain significance. Review status: criteria provided, multiple submitters, no conflicts (2 of 4 stars). 3 submissions from 3 submitters: Uncertain significance (3). Last evaluated 2023-06-14.

Allele frequency attached by ClinVar (database versions not stated): gnomAD 0.00009; TOPMed 0.00009; ExAC 0.00012; gnomAD exomes 0.00012 and 0.00014; 1000 Genomes Project 30x 0.00016; 1000 Genomes Project 0.00020.
gnomAD v4.1: 187 of 1,614,268 alleles (0.012%); highest among the groups gnomAD compares: East Asian, 0.091%; no homozygotes.

Submissions (3):

Blueprint Genetics
Classification: Uncertain significance. Last evaluated: 2023-06-14. Review status: criteria provided, single submitter. Criteria: ACMG Guidelines, 2015. Collection method: clinical testing. Allele origin: germline.

Labcorp Genetics (formerly Invitae), Labcorp
Classification: Uncertain significance. Last evaluated: 2022-05-12. Review status: criteria provided, single submitter. Criteria: Invitae Variant Classification Sherloc (09022015). Collection method: clinical testing. Allele origin: germline.
Comment: This sequence change replaces alanine, which is neutral and non-polar, with valine, which is neutral and non-polar, at codon 172 of the C1QC protein (p.Ala172Val). This variant is present in population databases (rs560156356, gnomAD 0.08%). This variant has not been reported in the literature in individuals affected with C1QC-related conditions. Algorithms developed to predict the effect of missense changes on protein structure and function output the following: SIFT: "Tolerated"; PolyPhen-2: "Benign"; Align-GVGD: "Class C0". The valine amino acid residue is found in multiple mammalian species, which suggests that this missense change does not adversely affect protein function. In summary, the available evidence is currently insufficient to determine the role of this variant in disease. Therefore, it has been classified as a Variant of Uncertain Significance.

Breakthrough Genomics
Classification: Uncertain significance. Review status: criteria provided, single submitter. Criteria: ACMG Guidelines, 2015. Collection method: not provided. Allele origin: germline. Inheritance: Autosomal recessive inheritance. Affected: yes.